The following is an entry in ClinVar:

ClinVar aggregate classification (germline): Uncertain significance. Review status: criteria provided, multiple submitters, no conflicts (2 of 4 stars). 2 submissions from 2 submitters: Uncertain significance (2). Last evaluated 2024-10-15.

Conditions:
Hereditary cancer-predisposing syndrome. Also called: Tumor predisposition; Neoplastic Syndromes, Hereditary; Hereditary Cancer Syndrome; Hereditary neoplastic syndrome. Identifiers: Orphanet 140162, MedGen C0027672, MeSH D009386, MONDO:0015356.
Ataxia-telangiectasia syndrome (AT). Also called: ATAXIA-TELANGIECTASIA, FRESNO VARIANT; Ataxia-telangiectasia, complementation group D; AT, COMPLEMENTATION GROUP C; Ataxia-telangiectasia; Ataxia-telangiectasia, complementation group E; Ataxia telangiectasia (A-T). Identifiers: Orphanet 100, MedGen C0004135, MONDO:0008840, OMIM 208900.

Submissions (2):

Ambry Genetics
Classification: Uncertain significance for Hereditary cancer-predisposing syndrome. Last evaluated: 2024-10-15. Review status: criteria provided, single submitter. Criteria: Ambry Variant Classification Scheme 2023. Collection method: clinical testing. Allele origin: germline.
Comment: The p.K1615T variant (also known as c.4844A>C), located in coding exon 31 of the ATM gene, results from an A to C substitution at nucleotide position 4844. The lysine at codon 1615 is replaced by threonine, an amino acid with similar properties. This variant was identified in an individual diagnosed with breast cancer as part of a large Canadian cohort study of 2870 individuals (Bhai P et al. Front Genet, 2021 Jul;12:698595). This amino acid position is well conserved in available vertebrate species. In addition, this alteration is predicted to be tolerated by in silico analysis. Based on the available evidence, the clinical significance of this variant remains unclear.

Labcorp Genetics (formerly Invitae), Labcorp
Classification: Uncertain significance for Ataxia-telangiectasia syndrome. Last evaluated: 2021-08-27. Review status: criteria provided, single submitter. Criteria: Invitae Variant Classification Sherloc (09022015). Collection method: clinical testing. Allele origin: germline.
Comment: This sequence change replaces lysine with threonine at codon 1615 of the ATM protein (p.Lys1615Thr). The lysine residue is moderately conserved and there is a moderate physicochemical difference between lysine and threonine. This variant is not present in population databases (ExAC no frequency). This variant has not been reported in the literature in individuals affected with ATM-related conditions. Algorithms developed to predict the effect of missense changes on protein structure and function (SIFT, PolyPhen-2, Align-GVGD) all suggest that this variant is likely to be tolerated. In summary, the available evidence is currently insufficient to determine the role of this variant in disease. Therefore, it has been classified as a Variant of Uncertain Significance.

Literature cited by the submitters: PubMed 34326862 (cited by Ambry Genetics).

NM_000051.4(ATM):c.4844A>C (p.Lys1615Thr)

Gene: ATM (ATM serine/threonine kinase; plus strand). Cytogenetic location: 11q22.3.
Variant type: single nucleotide variant.
Coding change: c.4844A>C on transcript NM_000051.4 (MANE Select); coding-DNA position 4844, A replaced by C.
Protein change: p.Lys1615Thr; replaces lysine 1615 with threonine.
Molecular consequence: missense variant.
Genome position (GRCh38, 1-based): chr11:108,294,994, A>C. VCF-style: chr11-108294994-A-C. GRCh37 (hg19) VCF-style: chr11-108165721-A-C.
Other names: c.4844A>C (NM_000051.3); c.4844A>C, p.Lys1615Thr (NM_001351834.2); short protein forms K1615T.
Identifiers: ClinVar variation 1057616 (VCV001057616.7), dbSNP rs867309383, ClinGen allele CA228380722.